The following is an entry in ClinVar:

ClinVar aggregate classification (germline): Uncertain significance (1 of 4 stars; one submission).

Conditions:
Hereditary cancer-predisposing syndrome. Also called: Neoplastic Syndromes, Hereditary; Tumor predisposition; Hereditary Cancer Syndrome; Hereditary neoplastic syndrome. Identifiers: Orphanet 140162, MedGen C0027672, MeSH D009386, MONDO:0015356.

Submission:

Ambry Genetics
Classification: Uncertain significance for Hereditary cancer-predisposing syndrome. Last evaluated: 2026-08-19. Review status: criteria provided, single submitter. Criteria: Ambry Variant Classification Scheme 2023. Collection method: clinical testing. Allele origin: germline.
Comment: The p.A384G variant (also known as c.1151C>G), located in coding exon 8 of the BMPR1A gene, results from a C to G substitution at nucleotide position 1151. The alanine at codon 384 is replaced by glycine, an amino acid with similar properties. This amino acid position is highly conserved in available vertebrate species. In addition, this alteration is predicted to be deleterious by in silico analysis. Based on the available evidence, the clinical significance of this variant remains unclear.

NM_004329.3(BMPR1A):c.1151C>G (p.Ala384Gly)

Gene: BMPR1A (bone morphogenetic protein receptor type 1A; plus strand). Cytogenetic location: 10q23.2.
Variant type: single nucleotide variant.
Coding change: c.1151C>G on transcript NM_004329.3 (MANE Select); coding-DNA position 1151, C replaced by G.
Protein change: p.Ala384Gly; replaces alanine 384 with glycine.
Molecular consequence: missense variant. On other transcripts: non-coding transcript variant (3).
Genome position (GRCh38, 1-based): chr10:86,919,454, C>G. VCF-style: chr10-86919454-C-G. GRCh37 (hg19) VCF-style: chr10-88679211-C-G.
Other names: c.1151C>G, p.Ala384Gly (NM_001406576.1, NM_001406577.1, NM_001406578.1 and 19 more transcripts); c.1145C>G, p.Ala382Gly (NM_001406583.1); c.1067C>G, p.Ala356Gly (NM_001406584.1, NM_001406585.1, NM_001406586.1 and 2 more transcripts); c.1226C>G, p.Ala409Gly (NM_001406559.1); c.1199C>G, p.Ala400Gly (NM_001406560.1); c.809C>G, p.Ala270Gly (NM_001406589.1); short protein forms A356G, A409G, A270G, A382G, A384G, A400G.
Identifiers: ClinVar variation 3261231 (VCV003261231.2).